The following is an entry in ClinVar:

NC_000015.9:g.(?_48722912)_(48727571_?)del

Gene: FBN1 (fibrillin 1; minus strand). Cytogenetic location: 15q21.1.
Variant type: Deletion.
Identifiers: ClinVar variation 2422452 (VCV002422452.4).

ClinVar aggregate classification (germline): Pathogenic (1 of 4 stars; one submission).

Conditions:
Marfan syndrome (MFS). Also called: MARFAN SYNDROME, TYPE I; FBN1-Related Marfan Syndrome; Marfan syndrome type 1; Marfan's syndrome; Marfan syndrome, classic. Identifiers: Orphanet 284963, Orphanet 558, MedGen C0024796, MONDO:0007947, OMIM 154700.
Familial thoracic aortic aneurysm and aortic dissection (TAAD). Also called: Thoracic aortic aneurysms and dissections. Identifiers: Orphanet 91387, MedGen C4707243, MONDO:0019625.

Submission:

Labcorp Genetics (formerly Invitae), Labcorp
Classification: Pathogenic for Marfan syndrome; Familial thoracic aortic aneurysm and aortic dissection. Last evaluated: 2023-02-08. Review status: criteria provided, single submitter. Criteria: Invitae Variant Classification Sherloc (09022015). Collection method: clinical testing. Allele origin: germline.
Comment: For these reasons, this variant has been classified as Pathogenic. This variant disrupts a region of the FBN1 protein in which other variant(s) (p.Cys2265Tyr) have been determined to be pathogenic (PMID: 16342915). This suggests that this is a clinically significant region of the protein, and that variants that disrupt it are likely to be disease-causing. This variant has not been reported in the literature in individuals affected with FBN1-related conditions. This variant results in the deletion of exons 54-55 and part of exon 56 (c.6497-661_6827del) of the FBN1 gene. It is expected to disrupt RNA splicing. Variants that disrupt the donor or acceptor splice site typically lead to a loss of protein function (PMID: 16199547), and loss-of-function variants in FBN1 are known to be pathogenic (PMID: 17657824, 19293843).

Literature cited by the submitters: PubMed 16342915; PubMed 16199547; PubMed 17657824; PubMed 19293843.